The following is an entry in ClinVar:

NM_001754.5(RUNX1):c.138G>T (p.Ala46=)

Gene: RUNX1 (RUNX family transcription factor 1; minus strand). Cytogenetic location: 21q22.12.
Variant type: single nucleotide variant.
Coding change: c.138G>T on transcript NM_001754.5 (MANE Select); coding-DNA position 138, G replaced by T.
Protein change: p.Ala46=; no amino-acid change (alanine 46 retained).
Molecular consequence: synonymous variant.
Genome position (GRCh38, 1-based): chr21:34,887,056, C>A on the plus strand (G>T on the coding strand, the complement: RUNX1 is on the minus strand). VCF-style: chr21-34887056-C-A. GRCh37 (hg19) VCF-style: chr21-36259353-C-A.
Other names: NM_001754.5(RUNX1):c.138G>T; p.Ala46=; c.138G>T (NM_001754.4); c.57G>T, p.Ala19= (NM_001001890.3, NM_001122607.2).
Identifiers: ClinVar variation 1159445 (VCV001159445.11), dbSNP rs747525766, ClinGen allele CA10014589.

ClinVar aggregate classification (germline): Likely benign. Review status: reviewed by expert panel (3 of 4 stars). 3 submissions from 3 submitters: Likely benign (1). 2 of the submissions do not count toward it. Last evaluated 2022-04-25.

Conditions:
Inborn genetic diseases. Identifiers: MedGen C0950123, MeSH D030342.
Hereditary thrombocytopenia and hematological cancer predisposition syndrome associated with RUNX1. Also called: Familial thrombocytopenia with propensity to acute myelogenous leukemia; PLATELET DISORDER, ASPIRIN-LIKE; RUNX1 Familial Platelet Disorder with Associated Myeloid Malignancies; Familial Platelet Disorder with Propensity to Acute Myelogenous Leukemia. Identifiers: Orphanet 71290, MedGen C1832388, MeSH C563324, MONDO:0100083, OMIM 601399.
Hereditary thrombocytopenia and hematologic cancer predisposition syndrome. Identifiers: Orphanet 71290, MedGen CN281654, MONDO:0011071.

Allele frequency attached by ClinVar (database versions not stated): gnomAD exomes below 0.00001; ExAC 0.00002.
gnomAD v4.1: 1 of 1,600,300 alleles (0.000062%); highest among the groups gnomAD compares: Non-Finnish European, 0.000085%; no homozygotes.

Submissions (3):

ClinGen Myeloid Malignancy Variant Curation Expert Panel
Classification: Likely benign for Hereditary thrombocytopenia and hematologic cancer predisposition syndrome. Last evaluated: 2022-04-25. Review status: reviewed by expert panel. Criteria: ClinGen MyeloMalig ACMG Specifications v2. Collection method: curation. Allele origin: germline. Inheritance: Autosomal dominant inheritance.
Comment: NM_001754.5(RUNX1):c.138G>T (p.Ala46=) is a synonymous variant. REVEL score not calculable. SpliceAI predicts: Acceptor loss 0.06, Donor loss 0.02, Acceptor gain 0.00, Donor gain 0.00. (BP4) Evolutionary conservation prediction algorithms predict the site as not being conserved (PhyloP score 1.22672 < 2.0 or the variant is the reference nucleotide in one primate and/or three mammal species) (BP7). In summary, this variant meets criteria to be classified as likely benign. ACMG/AMP criteria applied, as specified by the Myeloid Malignancy Variant Curation Expert Panel for RUNX1: BP4, BP7.

Ambry Genetics
Classification: Likely benign for Inborn genetic diseases. Last evaluated: 2025-01-03. Review status: criteria provided, single submitter. Criteria: Ambry Variant Classification Scheme 2023. Collection method: clinical testing. Allele origin: germline. Not counted in ClinVar's aggregate classification.

Labcorp Genetics (formerly Invitae), Labcorp
Classification: Likely benign for Hereditary thrombocytopenia and hematological cancer predisposition syndrome associated with RUNX1. Last evaluated: 2022-06-21. Review status: criteria provided, single submitter. Criteria: Invitae Variant Classification Sherloc (09022015). Collection method: clinical testing. Allele origin: germline. Not counted in ClinVar's aggregate classification.